The following is an entry in ClinVar:

ClinVar aggregate classification (germline): Pathogenic (1 of 4 stars; one submission).

gnomAD v4.1: 4 of 1,608,612 alleles (0.00025%); highest among the groups gnomAD compares: Non-Finnish European, 0.00034%; no homozygotes.

Submission:

Labcorp Genetics (formerly Invitae), Labcorp
Classification: Pathogenic. Last evaluated: 2022-06-28. Review status: criteria provided, single submitter. Criteria: Invitae Variant Classification Sherloc (09022015). Collection method: clinical testing. Allele origin: germline.
Comment: This sequence change creates a premature translational stop signal (p.Gln180*) in the CEP63 gene. It is expected to result in an absent or disrupted protein product. Loss-of-function variants in CEP63 are known to be pathogenic (PMID: 21983783, 23936128, 26158450). This variant is present in population databases (rs771949417, gnomAD 0.002%). This variant has not been reported in the literature in individuals affected with CEP63-related conditions. For these reasons, this variant has been classified as Pathogenic.

Literature cited by the submitters: PubMed 21983783; PubMed 23936128; PubMed 26158450.

NM_001353108.3(CEP63):c.538C>T (p.Gln180Ter)

Gene: CEP63 (centrosomal protein 63; plus strand). Cytogenetic location: 3q22.2.
Variant type: single nucleotide variant.
Coding change: c.538C>T on transcript NM_001353108.3 (MANE Select); coding-DNA position 538, C replaced by T.
Protein change: p.Gln180Ter; replaces glutamine 180 with a stop codon.
Molecular consequence: nonsense. On other transcripts: non-coding transcript variant (4).
Genome position (GRCh38, 1-based): chr3:134,537,251, C>T. VCF-style: chr3-134537251-C-T. GRCh37 (hg19) VCF-style: chr3-134256093-C-T.
Other names: c.538C>T, p.Gln180Ter (NM_001042383.2, NM_001042384.2, NM_001042400.3 and 13 more transcripts); c.565C>T, p.Gln189Ter (NM_001353118.1); c.454C>T, p.Gln152Ter (NM_001353125.2); c.175C>T, p.Gln59Ter (NM_001353126.2); short protein forms Q152*, Q189*, Q59*, Q180*.
Identifiers: ClinVar variation 2143588 (VCV002143588.1), dbSNP rs771949417, ClinGen allele CA2628403.
Genomic context (GRCh38, chr3:134,537,251, plus strand): 5'-CGCTTGATTTATCAGCAACAGGTATCTTCACTGGAGGCACAAAGGAAGGCTCTGGCTGAA[C>T]AATCAGAGATAATTCAGGTAGGCCTAAGACTTTTTAAAATAATGAGAAGCAGATAGGTTT-3'